The following is an entry in ClinVar:

ClinVar aggregate classification (germline): Uncertain significance (1 of 4 stars; one submission).

Conditions:
Hereditary cancer-predisposing syndrome. Also called: Neoplastic Syndromes, Hereditary; Tumor predisposition; Hereditary Cancer Syndrome; Hereditary neoplastic syndrome. Identifiers: Orphanet 140162, MedGen C0027672, MeSH D009386, MONDO:0015356.

Submission:

Ambry Genetics
Classification: Uncertain significance for Hereditary cancer-predisposing syndrome. Last evaluated: 2024-07-07. Review status: criteria provided, single submitter. Criteria: Ambry Variant Classification Scheme 2023. Collection method: clinical testing. Allele origin: germline.
Comment: The p.P2002T variant (also known as c.6004C>A), located in coding exon 15 of the APC gene, results from a C to A substitution at nucleotide position 6004. The proline at codon 2002 is replaced by threonine, an amino acid with highly similar properties. This amino acid position is conserved. In addition, in silico predictors for this gene do not accurately predict pathogenicity. Based on the available evidence, the clinical significance of this variant remains unclear.

NM_000038.6(APC):c.6004C>A (p.Pro2002Thr)

Gene: APC (APC regulator of Wnt signaling pathway; plus strand). Cytogenetic location: 5q22.2.
Variant type: single nucleotide variant.
Coding change: c.6004C>A on transcript NM_000038.6 (MANE Select); coding-DNA position 6004, C replaced by A.
Protein change: p.Pro2002Thr; replaces proline 2002 with threonine.
Molecular consequence: missense variant. On other transcripts: non-coding transcript variant (2).
Genome position (GRCh38, 1-based): chr5:112,841,598, C>A. VCF-style: chr5-112841598-C-A. GRCh37 (hg19) VCF-style: chr5-112177295-C-A.
Other names: c.6004C>A, p.Pro2002Thr (NM_001127510.3, NM_001354895.2, NM_001407450.1); c.5950C>A, p.Pro1984Thr (NM_001127511.3); c.6058C>A, p.Pro2020Thr (NM_001354896.2, NM_001407447.1, NM_001407448.1 and 1 more transcripts); c.6034C>A, p.Pro2012Thr (NM_001354897.2); c.5929C>A, p.Pro1977Thr (NM_001354898.2); c.5920C>A, p.Pro1974Thr (NM_001354899.2); c.5881C>A, p.Pro1961Thr (NM_001354900.2); c.5827C>A, p.Pro1943Thr (NM_001354901.2, NM_001407453.1); and 11 more; short protein forms P1719T, P1901T, P1919T, P1974T, P1943T, P1961T, P1984T, P1618T.
Identifiers: ClinVar variation 3409564 (VCV003409564.1).